The following is an entry in ClinVar:

ClinVar aggregate classification (germline): Uncertain significance (1 of 4 stars; one submission).

Submission:

Women's Health and Genetics/Laboratory Corporation of America, LabCorp
Classification: Uncertain significance. Last evaluated: 2026-03-19. Review status: criteria provided, single submitter. Criteria: LabCorp Variant Classification Summary - May 2015. Collection method: clinical testing. Allele origin: germline.
Comment: Variant summary: SLC6A17 c.287-2A>G is located in a canonical splice-site and is predicted to affect mRNA splicing resulting in a significantly altered protein due to either exon skipping, shortening, or inclusion of intronic material. Variants that disrupt the consensus splice site are a relatively common cause of aberrant splicing, however current evidence is not sufficient to establish loss of function as a mechanism for disease. Several computational tools predict a significant impact on normal splicing: Two predict the variant abolishes a cryptic 5' donor site. Two predict the variant weakens a cryptic 5' donor site. Four predict the variant abolishes a 3' acceptor site. However, these predictions have yet to be confirmed by functional studies. The variant was absent in 250740 control chromosomes. The available data on variant occurrences in the general population are insufficient to allow any conclusion about variant significance. To our knowledge, no occurrence of c.287-2A>G in individuals affected with SLC6A17-related conditions and no experimental evidence demonstrating its impact on protein function have been reported. No submitters have cited clinical-significance assessments for this variant to ClinVar. Based on the evidence outlined above, the variant was classified as uncertain significance.

NM_001010898.4(SLC6A17):c.287-2A>G

Gene: SLC6A17 (solute carrier family 6 member 17; plus strand). Cytogenetic location: 1p13.3.
Variant type: single nucleotide variant.
Coding change: c.287-2A>G on transcript NM_001010898.4 (MANE Select); the canonical splice acceptor site of the intron before coding-DNA position 287, A replaced by G.
Molecular consequence: splice acceptor variant.
Genome position (GRCh38, 1-based): chr1:110,172,058, A>G. VCF-style: chr1-110172058-A-G. GRCh37 (hg19) VCF-style: chr1-110714680-A-G.
Identifiers: ClinVar variation 4847084 (VCV004847084.1).
Genomic context (GRCh38, chr1:110,172,058, plus strand): 5'-CCTTCCCTCACTCTGCTGCTGTGCTCCAGAGCCCCTCTGCCATCCCTCTGCTCTCCCCAC[A>G]GGTGCTTACCTGGTGCCCTACCTGGTGCTGCTGATCATCATCGGGATCCCCCTCTTCTTC-3'